The following is an entry in ClinVar:

NM_001127644.2(GABRA1):c.1357A>C (p.Thr453Pro)

Gene: GABRA1 (gamma-aminobutyric acid type A receptor subunit alpha1; plus strand). Cytogenetic location: 5q34.
Variant type: single nucleotide variant.
Coding change: c.1357A>C on transcript NM_001127644.2 (MANE Select); coding-DNA position 1357, A replaced by C.
Protein change: p.Thr453Pro; replaces threonine 453 with proline.
Molecular consequence: missense variant.
Genome position (GRCh38, 1-based): chr5:161,897,408, A>C. VCF-style: chr5-161897408-A-C. GRCh37 (hg19) VCF-style: chr5-161324414-A-C.
Other names: c.1357A>C, p.Thr453Pro (NM_000806.5, NM_001127643.2, NM_001127645.2 and 1 more transcripts); short protein forms T453P.
Identifiers: ClinVar variation 1481579 (VCV001481579.6), dbSNP rs747892371, ClinGen allele CA362181402.

ClinVar aggregate classification (germline): Uncertain significance (1 of 4 stars; one submission).

Conditions:
Epilepsy, idiopathic generalized, susceptibility to, 13. Also called: EPILEPSY, JUVENILE MYOCLONIC, SUSCEPTIBILITY TO, 5. Identifiers: Orphanet 307, Orphanet 64280, MedGen C4013473, MONDO:0012627, OMIM 611136.
Idiopathic generalized epilepsy. Also called: Generalised epilepsy; EIG. Identifiers: MedGen C0270850, MONDO:0005579, OMIM 600669.
Epilepsy, childhood absence 4 (ECA4). Also called: EPILEPSY, CHILDHOOD ABSENCE, SUSCEPTIBILITY TO, 4. Identifiers: Orphanet 307, MedGen C1970160.

gnomAD v4.1: 1 of 1,613,814 alleles (0.000062%); highest among the groups gnomAD compares: Admixed American, 0.0017%; no homozygotes.

Submission:

Labcorp Genetics (formerly Invitae), Labcorp
Classification: Uncertain significance for Epilepsy, childhood absence 4; Epilepsy, idiopathic generalized, susceptibility to, 13; Idiopathic generalized epilepsy. Last evaluated: 2024-09-23. Review status: criteria provided, single submitter. Criteria: Invitae Variant Classification Sherloc (09022015). Collection method: clinical testing. Allele origin: germline.
Comment: This sequence change replaces threonine, which is neutral and polar, with proline, which is neutral and non-polar, at codon 453 of the GABRA1 protein (p.Thr453Pro). This variant is not present in population databases (gnomAD no frequency). This variant has not been reported in the literature in individuals affected with GABRA1-related conditions. ClinVar contains an entry for this variant (Variation ID: 1481579). Invitae Evidence Modeling of protein sequence and biophysical properties (such as structural, functional, and spatial information, amino acid conservation, physicochemical variation, residue mobility, and thermodynamic stability) indicates that this missense variant is not expected to disrupt GABRA1 protein function with a negative predictive value of 95%. In summary, the available evidence is currently insufficient to determine the role of this variant in disease. Therefore, it has been classified as a Variant of Uncertain Significance.